The following is an entry in ClinVar:

ClinVar aggregate classification (germline): Benign (1 of 4 stars; one submission).

Allele frequency attached by ClinVar (database versions not stated): gnomAD 0.02082 and 0.02231; 1000 Genomes Project 0.02296; TOPMed 0.02399; 1000 Genomes Project 30x 0.02467.
gnomAD v4.1: 3,138 of 152,324 alleles (2.1%); highest among the groups gnomAD compares: African/African-American, 7%; 112 homozygotes.

Submission:

GeneDx
Classification: Benign. Last evaluated: 2018-06-14. Review status: criteria provided, single submitter. Criteria: GeneDx Variant Classification (06012015). Collection method: clinical testing. Allele origin: germline. Affected: yes.
Comment: This variant is considered likely benign or benign based on one or more of the following criteria: it is a conservative change, it occurs at a poorly conserved position in the protein, it is predicted to be benign by multiple in silico algorithms, and/or has population frequency not consistent with disease.

NM_000218.3(KCNQ1):c.1794+245T>C

Gene: KCNQ1 (potassium voltage-gated channel subfamily Q member 1; plus strand). Cytogenetic location: 11p15.5.
Variant type: single nucleotide variant.
Coding change: c.1794+245T>C on transcript NM_000218.3 (MANE Select); 245 bases into the intron after coding-DNA position 1794, T replaced by C.
Molecular consequence: intron variant.
Genome position (GRCh38, 1-based): chr11:2,778,282, T>C. VCF-style: chr11-2778282-T-C. GRCh37 (hg19) VCF-style: chr11-2799512-T-C.
Other names: c.1524+245T>C (NM_001406837.1); c.1698+245T>C (NM_001406836.1); c.1254+245T>C (NM_001406838.1); c.1413+245T>C (NM_181798.2); c.306+245T>C (NM_001406839.1).
Identifiers: ClinVar variation 679884 (VCV000679884.3), dbSNP rs116534598, ClinGen allele CA216322214.
Genomic context (GRCh38, chr11:2,778,282, plus strand): 5'-TGGTCCCCCATGGAAGGAGCCAGGCCAGGCTGGTTTCTCATCCTCTGACAAGTGGCGTCT[T>C]TACTGGCAGGTGGCACCAAGTGCCCCCTCCCCCCAGCTCTTTCCCGCTGCCTCTCGTAGT-3'